The following is an entry in ClinVar:

ClinVar aggregate classification (germline): Conflicting classifications of pathogenicity. Review status: criteria provided, conflicting classifications (1 of 4 stars). 11 submissions from 7 submitters: Uncertain significance (2); Benign (3); Likely benign (4). 2 of the submissions do not count toward it. Last evaluated 2026-01-24.

Conditions:
Multiple endocrine neoplasia. Identifiers: Orphanet 276161, MedGen C0027662, MONDO:0017169.
Hereditary cancer-predisposing syndrome. Also called: Tumor predisposition; Hereditary neoplastic syndrome; Hereditary Cancer Syndrome; Neoplastic Syndromes, Hereditary. Identifiers: Orphanet 140162, MedGen C0027672, MeSH D009386, MONDO:0015356.
Multiple endocrine neoplasia, type 2 (MEN2). Identifiers: Orphanet 653, MedGen C4048306, MONDO:0019003. Disease mechanism: gain of function.
Multiple endocrine neoplasia type 2A. Also called: Multiple Endocrine Neoplasia Type 2A (MEN2A); MULTIPLE ENDOCRINE NEOPLASIA, TYPE IIA; PTC SYNDROME; SIPPLE SYNDROME; MEN 2A; MEN-2A syndrome. Identifiers: Orphanet 247698, Orphanet 653, MedGen C0025268, MeSH D018813, MONDO:0008234, OMIM 171400.
Multiple endocrine neoplasia type 2B. Also called: MEN IIB; NEUROMATA, MUCOSAL, WITH ENDOCRINE TUMORS; WAGENMANN-FROBOESE SYNDROME; MULTIPLE ENDOCRINE NEOPLASIA, TYPE III; MULTIPLE ENDOCRINE NEOPLASIA, TYPE IIB; MEN 2B. Identifiers: Orphanet 247709, Orphanet 653, MedGen C0025269, MeSH D018814, MONDO:0008082, OMIM 162300.
Hirschsprung disease, susceptibility to, 1 (HSCR1). Also called: RET-Related Hirschsprung Disease. Identifiers: Orphanet 388, MedGen C3888239, MONDO:0007723, OMIM 142623.
Renal hypodysplasia/aplasia 1 (RHDA1). Also called: RENAL APLASIA; HEREDITARY RENAL APLASIA. Identifiers: Orphanet 411709, MedGen C1619700, MONDO:0024519, OMIM 191830.
Pheochromocytoma. Also called: MAX-Related Hereditary Paraganglioma-Pheochromocytoma Syndrome. Identifiers: Orphanet 29072, MedGen C0031511, MONDO:0008233, OMIM 171300, HP:0002666.

Allele frequency attached by ClinVar (database versions not stated): ExAC 0.00013; gnomAD exomes 0.00023 and 0.00010; TOPMed 0.00009; ESP Exome Variant Server 0.00031.
gnomAD v4.1: 344 of 1,614,086 alleles (0.021%); highest among the groups gnomAD compares: Non-Finnish European, 0.028%; no homozygotes.

Submissions (11):

Labcorp Genetics (formerly Invitae), Labcorp
Classification: Likely benign for Multiple endocrine neoplasia, type 2. Last evaluated: 2026-01-24. Review status: criteria provided, single submitter. Criteria: Invitae Variant Classification Sherloc (09022015). Collection method: clinical testing. Allele origin: germline.

Women's Health and Genetics/Laboratory Corporation of America, LabCorp
Classification: Benign. Last evaluated: 2024-12-06. Review status: criteria provided, single submitter. Criteria: LabCorp Variant Classification Summary - May 2015. Collection method: clinical testing. Allele origin: germline.

Blueprint Genetics
Classification: Likely benign. Last evaluated: 2023-06-26. Review status: criteria provided, single submitter. Criteria: ACMG Guidelines, 2015. Collection method: clinical testing. Allele origin: germline.

Color Diagnostics, LLC DBA Color Health
Classification: Likely benign for Multiple endocrine neoplasia, type 2. Last evaluated: 2022-09-29. Review status: criteria provided, single submitter. Criteria: ACMG Guidelines, 2015. Collection method: clinical testing. Allele origin: germline.

Illumina Laboratory Services, Illumina
Classification: Uncertain significance for Hirschsprung disease, susceptibility to, 1. Last evaluated: 2017-04-28. Review status: criteria provided, single submitter. Criteria: ICSL Variant Classification Criteria 13 December 2019. Collection method: clinical testing. Allele origin: germline.

Illumina Laboratory Services, Illumina
Classification: Uncertain significance for Renal hypodysplasia/aplasia 1. Last evaluated: 2017-04-28. Review status: criteria provided, single submitter. Criteria: ICSL Variant Classification Criteria 13 December 2019. Collection method: clinical testing. Allele origin: germline.

Illumina Laboratory Services, Illumina
Classification: Benign for Pheochromocytoma. Last evaluated: 2017-04-28. Review status: criteria provided, single submitter. Criteria: ICSL Variant Classification Criteria 13 December 2019. Collection method: clinical testing. Allele origin: germline.
Comment: This variant was observed as part of a predisposition screen in an ostensibly healthy population. A literature search was performed for the gene, cDNA change, and amino acid change (where applicable). No publications were found based on this search. Allele frequency data from public databases was too high to be consistent with this variant causing disease. Therefore, this variant is classified as benign.

Illumina Laboratory Services, Illumina
Classification: Benign for Multiple endocrine neoplasia. Last evaluated: 2017-04-28. Review status: criteria provided, single submitter. Criteria: ICSL Variant Classification Criteria 13 December 2019. Collection method: clinical testing. Allele origin: germline.
Comment: the same text as in the submission from Illumina Laboratory Services, Illumina above.

Ambry Genetics
Classification: Likely benign for Hereditary cancer-predisposing syndrome. Last evaluated: 2015-09-11. Review status: criteria provided, single submitter. Criteria: Ambry Variant Classification Scheme 2023. Collection method: clinical testing. Allele origin: germline.

Counsyl
Classification: Likely benign for Multiple endocrine neoplasia type 2B. Last evaluated: 2016-08-12. Review status: no assertion criteria provided. Collection method: clinical testing. Allele origin: unknown. Not counted in ClinVar's aggregate classification.

Counsyl
Classification: Likely benign for Multiple endocrine neoplasia type 2A. Last evaluated: 2016-08-12. Review status: no assertion criteria provided. Collection method: clinical testing. Allele origin: unknown. Not counted in ClinVar's aggregate classification.

NM_020975.6(RET):c.3243T>C (p.Asp1081=)

Gene: RET (ret proto-oncogene; plus strand). Cytogenetic location: 10q11.21.
Variant type: single nucleotide variant.
Coding change: c.3243T>C on transcript NM_020975.6 (MANE Select); coding-DNA position 3243, T replaced by C.
Protein change: p.Asp1081=; no amino-acid change (aspartic acid 1081 retained).
Molecular consequence: synonymous variant.
Genome position (GRCh38, 1-based): chr10:43,128,167, T>C. VCF-style: chr10-43128167-T-C. GRCh37 (hg19) VCF-style: chr10-43623615-T-C.
Other names: c.3243T>C (LRG_518t1).
Identifiers: ClinVar variation 136118 (VCV000136118.25), dbSNP rs144192900, ClinGen allele CA010921.